The following is an entry in ClinVar:

NM_017534.6(MYH2):c.3568C>T (p.Gln1190Ter)

Genes: MYH2 (myosin heavy chain 2; minus strand), MYHAS (myosin heavy chain gene cluster antisense RNA; plus strand). Cytogenetic location: 17p13.1.
Variant type: single nucleotide variant.
Coding change: c.3568C>T on transcript NM_017534.6 (MANE Select); coding-DNA position 3568, C replaced by T.
Protein change: p.Gln1190Ter; replaces glutamine 1190 with a stop codon.
Molecular consequence: nonsense.
Genome position (GRCh38, 1-based): chr17:10,528,866, G>A on the plus strand (C>T on the coding strand, the complement: MYH2 is on the minus strand). VCF-style: chr17-10528866-G-A. GRCh37 (hg19) VCF-style: chr17-10432183-G-A.
Other names: c.3568C>T, p.Gln1190Ter (NM_001100112.2); short protein forms Q1190*.
Identifiers: ClinVar variation 4852016 (VCV004852016.1).

ClinVar aggregate classification (germline): Pathogenic (1 of 4 stars; one submission).

gnomAD v4.1: 2 of 1,614,222 alleles (0.00012%); highest among the groups gnomAD compares: Admixed American, 0.0017%; no homozygotes.

Submission:

Dasa
Classification: Pathogenic. Last evaluated: 2024-06-07. Review status: criteria provided, single submitter. Criteria: DASA Assertion Criteria. Collection method: clinical testing. Allele origin: germline.
Comment: NM_017534.6(MYH2):c.3568C>T (p.Gln1190*) introduces a premature termination codon predicted to result in loss of normal protein function. Loss-of-function is an established mechanism of disease for this gene. Based on the available data, this variant is classified as pathogenic.